The following is an entry in ClinVar:

ClinVar aggregate classification (germline): Pathogenic (1 of 4 stars; one submission).

Conditions:
Atransferrinemia. Also called: Familial hypotransferrinemia. Identifiers: Orphanet 1195, MedGen C0521802, MONDO:0008846, OMIM 209300, HP:0012239.

Submission:

Myriad Genetics, Inc.
Classification: Pathogenic for Atransferrinemia. Last evaluated: 2025-04-23. Review status: criteria provided, single submitter. Criteria: Myriad Autosomal Dominant, Autosomal Recessive and X-Linked Classification Criteria (2023). Collection method: clinical testing. Allele origin: unknown.
Comment: NM_001063.3(TF):c.897delA(E300Nfs*23) is expected to be pathogenic in the context of atransferrinemia. This variant is predicted to lead to an abnormal or absent protein product due to the creation of a premature termination codon in TF, a gene where loss-of-function variants are known to be pathogenic. Please note: this variant was assessed in the context of healthy population screening.

NM_001063.4(TF):c.897del (p.Glu300fs)

Gene: TF (transferrin; plus strand). Cytogenetic location: 3q22.1.
Variant type: Deletion.
Coding change: c.897del on transcript NM_001063.4 (MANE Select); coding-DNA position 897, one base deleted (A; older notation c.897delA).
Protein change: p.Glu300fs; shifts the reading frame from glutamic acid 300.
Molecular consequence: frameshift variant.
Genome position (GRCh38, 1-based): chr3:133,757,795, A deleted; the last of 4 consecutive A bases (chr3:133,757,792-133,757,795); deleting any one gives the same sequence. VCF-style (leftmost placement, unchanged base first): chr3-133757791-CA-C. GRCh37 (hg19) VCF-style: chr3-133476635-CA-C.
Other names: c.765del, p.Glu256fs (NM_001354703.2); c.516del, p.Glu173fs (NM_001354704.2); short protein forms E173fs, E256fs, E300fs.
Identifiers: ClinVar variation 5014347 (VCV005014347.1).